The following is an entry in ClinVar:

NM_000078.3(CETP):c.440-14G>A

Gene: CETP (cholesteryl ester transfer protein; plus strand). Cytogenetic location: 16q13.
Variant type: single nucleotide variant.
Coding change: c.440-14G>A on transcript NM_000078.3 (MANE Select); 14 bases into the intron before coding-DNA position 440, G replaced by A.
Molecular consequence: intron variant.
Genome position (GRCh38, 1-based): chr16:56,969,900, G>A. VCF-style: chr16-56969900-G-A. GRCh37 (hg19) VCF-style: chr16-57003812-G-A.
Other names: c.440-14G>A (NM_001286085.2).
Identifiers: ClinVar variation 4690447 (VCV004690447.1).

ClinVar aggregate classification (germline): Uncertain significance (1 of 4 stars; one submission).

gnomAD v4.1: 15 of 1,613,034 alleles (0.00093%); highest among the groups gnomAD compares: Admixed American, 0.0067%; no homozygotes.

Submission:

Labcorp Genetics (formerly Invitae), Labcorp
Classification: Uncertain significance. Last evaluated: 2025-07-22. Review status: criteria provided, single submitter. Criteria: Invitae Variant Classification Sherloc (09022015). Collection method: clinical testing. Allele origin: germline.
Comment: This sequence change falls in intron 4 of the CETP gene. It does not directly change the encoded amino acid sequence of the CETP protein. This variant is present in population databases (rs201660416, gnomAD 0.006%). This variant has not been reported in the literature in individuals affected with CETP-related conditions. Algorithms developed to predict the effect of sequence changes on RNA splicing suggest that this variant may disrupt the consensus splice site. In summary, the available evidence is currently insufficient to determine the role of this variant in disease. Therefore, it has been classified as a Variant of Uncertain Significance.